The following is an entry in ClinVar:

ClinVar aggregate classification (germline): Pathogenic (1 of 4 stars; one submission).

Submission:

Labcorp Genetics (formerly Invitae), Labcorp
Classification: Pathogenic. Last evaluated: 2025-10-09. Review status: criteria provided, single submitter. Criteria: Invitae Variant Classification Sherloc (09022015). Collection method: clinical testing. Allele origin: germline.
Comment: This sequence change creates a premature translational stop signal (p.Phe16Serfs*38) in the TCIRG1 gene. It is expected to result in an absent or disrupted protein product. Loss-of-function variants in TCIRG1 are known to be pathogenic (PMID: 10888887, 10942435, 11532986, 19448635). This variant is not present in population databases (gnomAD no frequency). This variant has not been reported in the literature in individuals affected with TCIRG1-related conditions. For these reasons, this variant has been classified as Pathogenic.

Literature cited by the submitters: PubMed 10888887; PubMed 10942435; PubMed 11532986; PubMed 19448635.

NM_006019.4(TCIRG1):c.45_46del (p.Phe16fs)

Gene: TCIRG1 (T cell immune regulator 1, ATPase H+ transporting V0 subunit a3; plus strand). Cytogenetic location: 11q13.2.
Variant type: Microsatellite.
Coding change: c.45_46del on transcript NM_006019.4 (MANE Select); coding-DNA positions 45 to 46, 2 bases deleted (CT; older notation c.45_46delCT).
Protein change: p.Phe16fs; shifts the reading frame from phenylalanine 16.
Molecular consequence: frameshift variant. On other transcripts: 5 prime UTR variant (1).
Genome position (GRCh38, 1-based): chr11:68,041,316-68,041,317, CT deleted; deleting any 2 consecutive bases within chr11:68,041,314-68,041,317 gives the same sequence; the c. name uses the placement nearest the transcript's 3' end. VCF-style (leftmost placement, unchanged base first): chr11-68041313-GCT-G. GRCh37 (hg19) VCF-style: chr11-67808780-GCT-G.
Other names: c.-1207CT[1] (NM_001351059.2); c.45_46del, p.Phe16fs (NM_001440552.1, NM_001440553.1, NM_001440554.1 and 15 more transcripts); short protein forms F16fs.
Identifiers: ClinVar variation 4728848 (VCV004728848.1).
Genomic context (GRCh38, chr11:68,041,313, plus strand): 5'-CGTGTCCACCCACAGGACCATGGGCTCCATGTTCCGGAGCGAGGAGGTGGCCCTGGTCCA[GCT>G]CTTTCTGCCCACAGCGGCTGCCTACACCTGCGTGAGTCGGCTGGGCGAGCTGGGCCTCGT-3'